The following is an entry in ClinVar:

ClinVar aggregate classification (germline): Likely pathogenic (1 of 4 stars; one submission).

Conditions:
Imerslund-Grasbeck syndrome type 1 (IGS1). Also called: Megaloblastic anemia 1, Finnish type; MEGALOBLASTIC ANEMIA, 1; Imerslund-Gräsbeck syndrome 1. Identifiers: MedGen C4016819, MONDO:0100156, OMIM 261100.

Submission:

Dasa
Classification: Likely pathogenic for Imerslund-Grasbeck syndrome type 1. Last evaluated: 2025-10-03. Review status: criteria provided, single submitter. Criteria: DASA Assertion Criteria. Collection method: clinical testing. Allele origin: germline.
Comment: NM_001081.4(CUBN):c.10528+1G>T affects a canonical splice site and is predicted to disrupt normal RNA splicing. Loss of function is an established disease mechanism for CUBN-associated disorders. Also, this variant is absent from population databases. Based on the currently available evidence, this variant is classified as likely pathogenic.

NM_001081.4(CUBN):c.10528+1G>T

Gene: CUBN (cubilin; minus strand). Cytogenetic location: 10p13.
Variant type: single nucleotide variant.
Coding change: c.10528+1G>T on transcript NM_001081.4 (MANE Select); the canonical splice donor site of the intron after coding-DNA position 10528, G replaced by T.
Molecular consequence: splice donor variant.
Genome position (GRCh38, 1-based): chr10:16,831,251, C>A on the plus strand (G>T on the coding strand, the complement: CUBN is on the minus strand). VCF-style: chr10-16831251-C-A. GRCh37 (hg19) VCF-style: chr10-16873250-C-A.
Identifiers: ClinVar variation 4882851 (VCV004882851.2).